The following is an entry in ClinVar:

NM_001378615.1(CC2D2A):c.4048_4064delinsTC (p.Leu1350_Asp1355delinsSer)

Genes: CC2D2A (coiled-coil and C2 domain containing 2A; plus strand), FBXL5 (F-box and leucine rich repeat protein 5; minus strand). Cytogenetic location: 4p15.32.
Variant type: Indel.
Coding change: c.4048_4064delinsTC on transcript NM_001378615.1 (MANE Select); coding-DNA positions 4048 to 4064, CTCTGGAGCACATCTGA replaced by TC.
Protein change: p.Leu1350_Asp1355delinsSer.
Molecular consequence: inframe indel.
Genome position (GRCh38, 1-based): chr4:15,586,229-15,586,245, CTCTGGAGCACATCTGA replaced by TC. VCF-style: chr4-15586229-CTCTGGAGCACATCTGA-TC. GRCh37 (hg19) VCF-style: chr4-15587852-CTCTGGAGCACATCTGA-TC.
Other names: c.4048_4064delinsTC, p.Leu1350_Asp1355delinsSer (NM_001080522.2); c.3901_3917delinsTC, p.Leu1301_Asp1306delinsSer (NM_001378617.1).
Identifiers: ClinVar variation 5004873 (VCV005004873.1).
Genomic context (GRCh38, chr4:15,586,229, plus strand): 5'-CGATATGTGTCCTTGATTCCCTTCTTGCCTGACACTGTCTCATTTGGTGGTATCTGTGAC[CTCTGGAGCACATCTGA>TC]TGTAAGTAGTTCTTCTTCACAGATTTAGAAACTTGAGCTGACTTAATGAAATATTAGCTA-3'

ClinVar aggregate classification (germline): Uncertain significance (1 of 4 stars; one submission).

Conditions:
Joubert syndrome and related disorders. Identifiers: Orphanet 140874, MedGen C5679612, MONDO:0015369.

Submission:

Myriad Genetics, Inc.
Classification: Uncertain significance for Joubert syndrome and related disorders. Last evaluated: 2026-08-27. Review status: criteria provided, single submitter. Criteria: Myriad Autosomal Dominant, Autosomal Recessive and X-Linked Classification Criteria (2023). Collection method: clinical testing. Allele origin: unknown.
Comment: NM_001080522.2(CC2D2A):c.4048_4064del17ins2(L1350_D1355delinsS) is an in-frame deletion classified as a variant of uncertain significance in the context of CC2D2A-related disorders. L1350_D1355delinsS has not been observed in cases with relevant disease. Relevant functional assessments of this variant are not available in the literature. L1350_D1355delinsS has not been observed in referenced population frequency databases. In summary, there is insufficient evidence to classify NM_001080522.2(CC2D2A):c.4048_4064del17ins2(L1350_D1355delinsS) as pathogenic or benign. Please note: this variant was assessed in the context of healthy population screening.